The following is an entry in ClinVar:

ClinVar aggregate classification (germline): Uncertain significance (1 of 4 stars; one submission).

Conditions:
Charcot-Marie-Tooth disease axonal type 2Z. Also called: CHARCOT-MARIE-TOOTH DISEASE, AXONAL, AUTOSOMAL DOMINANT, TYPE 2Z; CHARCOT-MARIE-TOOTH NEUROPATHY, TYPE 2Z. Identifiers: Orphanet 466768, MedGen C5569025, MONDO:0014736, OMIM 616688.

Submission:

Labcorp Genetics (formerly Invitae), Labcorp
Classification: Uncertain significance for Charcot-Marie-Tooth disease axonal type 2Z. Last evaluated: 2022-07-05. Review status: criteria provided, single submitter. Criteria: Invitae Variant Classification Sherloc (09022015). Collection method: clinical testing. Allele origin: germline.
Comment: This variant is not present in population databases (gnomAD no frequency). In summary, the available evidence is currently insufficient to determine the role of this variant in disease. Therefore, it has been classified as a Variant of Uncertain Significance. Experimental studies and prediction algorithms are not available or were not evaluated, and the functional significance of this variant is currently unknown. ClinVar contains an entry for this variant (Variation ID: 475572). This variant has not been reported in the literature in individuals affected with MORC2-related conditions. This variant, c.1049_1057dup, results in the insertion of 3 amino acid(s) of the MORC2 protein (p.Gly350_Val352dup), but otherwise preserves the integrity of the reading frame.

NM_001303256.3(MORC2):c.1226GGGTTGTTG[3] (p.409GVV[3])

Gene: MORC2 (MORC family CW-type zinc finger 2; minus strand). Cytogenetic location: 22q12.2.
Variant type: Microsatellite.
Coding change: c.1226GGGTTGTTG[3] on transcript NM_001303256.3 (MANE Select); three copies in a row of the 9-base unit GGGTTGTTG starting at c.1226; the reference has two copies in a row; one copy, 9 bases duplicated.
Protein change: p.409GVV[3].
Molecular consequence: inframe insertion.
Genome position (GRCh38, 1-based): chr22:30,937,941-30,937,949, CAACAACCC duplicated on the plus strand (GGGTTGTTG on the coding strand, the reverse complement: MORC2 is on the minus strand); duplicating any 9 consecutive bases within chr22:30,937,941-30,937,959 gives the same sequence; the position shown is the placement nearest the transcript's 3' end. VCF-style (leftmost placement, unchanged base first): chr22-30937940-T-TCAACAACCC. GRCh37 (hg19) VCF-style: chr22-31333927-T-TCAACAACCC.
Other names: c.1226GGGTTGTTG[3], p.409GVV[3] (NM_001303257.2); c.1040GGGTTGTTG[3], p.347GVV[3] (NM_014941.3).
Identifiers: ClinVar variation 475572 (VCV000475572.7), dbSNP rs1555938722, ClinGen allele CA658658910.
Genomic context (GRCh38, chr22:30,937,940, plus strand): 5'-TCCTTGGCATCAGCAAAGTCCTGTTTGTTGTGTGTAGGCTCCAGGACCAGGTAGGGCACA[T>TCAACAACCC]CAACAACCCCAACAACCCCGCCACATGCCCTACAGGGAGAAAGAGAACAAGCTCTGTCAC-3'